The following is an entry in ClinVar:

NM_000372.5(TYR):c.1199G>T (p.Trp400Leu)

Gene: TYR (tyrosinase; plus strand). Cytogenetic location: 11q14.3.
Variant type: single nucleotide variant.
Coding change: c.1199G>T on transcript NM_000372.5 (MANE Select); coding-DNA position 1199, G replaced by T.
Protein change: p.Trp400Leu; replaces tryptophan 400 with leucine.
Molecular consequence: missense variant.
Genome position (GRCh38, 1-based): chr11:89,284,787, G>T. VCF-style: chr11-89284787-G-T. GRCh37 (hg19) VCF-style: chr11-89017955-G-T.
Other names: short protein forms W400L.
Identifiers: ClinVar variation 99541 (VCV000099541.25), dbSNP rs62645916, ClinGen allele CA227513.

ClinVar aggregate classification (germline): Pathogenic/Likely pathogenic. Review status: criteria provided, multiple submitters, no conflicts (2 of 4 stars). 11 submissions from 10 submitters: Pathogenic (7); Likely pathogenic (2). 2 of the submissions do not count toward it. Last evaluated 2024-11-18.

Conditions:
SKIN/HAIR/EYE PIGMENTATION 3, LIGHT/DARK SKIN (SHEP3). Also called: SKIN/HAIR/EYE PIGMENTATION 3, BLUE/GREEN EYE COLOR; SKIN/HAIR/EYE PIGMENTATION 3, FRECKLING; SKIN/HAIR/EYE PIGMENTATION, VARIATION IN, 3; EYE COLOR 1; EYE COLOR, GREEN/BLUE. Identifiers: MedGen C2677190, OMIM 601800.
Oculocutaneous albinism type 1B (OCA1B). Also called: YELLOW ALBINISM; ALBINISM, OCULOCUTANEOUS, TYPE IB; ALBINISM, YELLOW MUTANT TYPE. Identifiers: Orphanet 352731, Orphanet 352737, Orphanet 79434, MedGen C1847024, MONDO:0011749, OMIM 606952.
Oculocutaneous albinism type 1A (OCA1A). Also called: Albinism, oculocutaneous, type IA. Identifiers: Orphanet 352731, Orphanet 79431, MedGen C4551504, MONDO:0008745, OMIM 203100. Disease mechanism: loss of function.
TYR-related disorder. Also called: TYR-related condition.
Ocular albinism with congenital sensorineural hearing loss. Identifiers: MedGen CN028925.

Allele frequency attached by ClinVar (database versions not stated): gnomAD exomes 0.00001 and 0.00004; ExAC 0.00002; TOPMed 0.00003.
gnomAD v4.1: 13 of 1,611,442 alleles (0.00081%); highest among the groups gnomAD compares: East Asian, 0.025%; no homozygotes.

Submissions (11):

Labcorp Genetics (formerly Invitae), Labcorp
Classification: Pathogenic. Last evaluated: 2024-11-18. Review status: criteria provided, single submitter. Criteria: Invitae Variant Classification Sherloc (09022015). Collection method: clinical testing. Allele origin: germline.
Comment: This sequence change replaces tryptophan, which is neutral and slightly polar, with leucine, which is neutral and non-polar, at codon 400 of the TYR protein (p.Trp400Leu). This variant is present in population databases (rs62645916, gnomAD 0.05%). This missense change has been observed in individuals with non-syndromic ocular albinism (PMID: 31077556). ClinVar contains an entry for this variant (Variation ID: 99541). Invitae Evidence Modeling of protein sequence and biophysical properties (such as structural, functional, and spatial information, amino acid conservation, physicochemical variation, residue mobility, and thermodynamic stability) indicates that this missense variant is expected to disrupt TYR protein function with a positive predictive value of 95%. For these reasons, this variant has been classified as Pathogenic.

Baylor Genetics
Classification: Pathogenic for SKIN/HAIR/EYE PIGMENTATION 3, LIGHT/DARK SKIN. Last evaluated: 2024-03-27. Review status: criteria provided, single submitter. Criteria: ACMG Guidelines, 2015. Collection method: clinical testing. Allele origin: unknown.

Fulgent Genetics
Classification: Pathogenic for Oculocutaneous albinism type 1A; SKIN/HAIR/EYE PIGMENTATION 3, LIGHT/DARK SKIN; Oculocutaneous albinism type 1B. Last evaluated: 2024-01-22. Review status: criteria provided, single submitter. Criteria: ACMG Guidelines, 2015. Collection method: clinical testing. Allele origin: germline.

Blueprint Genetics
Classification: Pathogenic for TYR-related disorders. Last evaluated: 2022-08-26. Review status: criteria provided, single submitter. Criteria: ACMG Guidelines, 2015. Collection method: clinical testing. Allele origin: germline. Affected: yes. Observed: 4 variant alleles.

Genome-Nilou Lab
Classification: Likely pathogenic for Oculocutaneous albinism type 1A. Last evaluated: 2021-07-22. Review status: criteria provided, single submitter. Criteria: ACMG Guidelines, 2015. Collection method: clinical testing. Allele origin: germline. Affected: no.

GeneDx
Classification: Pathogenic. Last evaluated: 2020-10-19. Review status: criteria provided, single submitter. Criteria: GeneDx Variant Classification Process June 2021. Collection method: clinical testing. Allele origin: germline. Affected: yes.
Comment: In silico analysis, which includes protein predictors and evolutionary conservation, supports a deleterious effect; This variant is associated with the following publications: (PMID: 31199599, 19865097, 26165494, 31196117, 29658579, 22875490, 29437493, 20447099, 31229681, 25577957, 31077556, 10571953, 16570240, 22097729, 15591842, 30868138)

Fulgent Genetics
Classification: Pathogenic for Oculocutaneous albinism type 1A; SKIN/HAIR/EYE PIGMENTATION 3, LIGHT/DARK SKIN; Oculocutaneous albinism type 1B. Last evaluated: 2018-10-31. Review status: criteria provided, single submitter. Criteria: ACMG Guidelines, 2015. Collection method: clinical testing. Allele origin: unknown.

Genetic Services Laboratory, University of Chicago
Classification: Likely pathogenic for Albinism, oculocutaneous, type IA. Last evaluated: 2016-03-31. Review status: criteria provided, single submitter. Criteria: ACMG Guidelines, 2015. Collection method: clinical testing. Allele origin: germline. Affected: yes.

Juno Genomics, Hangzhou Juno Genomics, Inc
Classification: Pathogenic for Oculocutaneous albinism type 1A; Oculocutaneous albinism type 1B. Review status: criteria provided, single submitter. Criteria: ACMG Guidelines, 2015. Collection method: clinical testing. Allele origin: germline.
Comment: Absent from controls (or at extremely low frequency if recessive) in Genome Aggregation Database.;For recessive disorders, detected in trans with a pathogenic variant.;Patient's phenotype or family history is highly specific for a disease with a single genetic etiology.;Multiple lines of computational evidence support a deleterious effect on the gene or gene product.

PreventionGenetics, part of Exact Sciences
Classification: Pathogenic for TYR-related condition. Last evaluated: 2024-07-30. Review status: no assertion criteria provided. Collection method: clinical testing. Allele origin: germline. Not counted in ClinVar's aggregate classification.
Comment: The TYR c.1199G>T variant is predicted to result in the amino acid substitution p.Trp400Leu. This variant has been reported as causative for autosomal recessive oculocutaneous albinism (Tsai et al. 1999. PubMed ID: 10571953; Liu et al. 2010. PubMed ID: 20447099; Wei et al. 2010. PubMed ID: 19865097; Zhong et al. 2019. PubMed ID: 31077556). This variant is reported in 0.050% of alleles in individuals of East Asian descent in gnomAD. Given the evidence, we interpret this variant as pathogenic.

Retina International
No classification provided. Review status: no classification provided. Collection method: not provided. Allele origin: unknown. Not counted in ClinVar's aggregate classification.

Literature cited by the submitters: PubMed 31077556 (cited by Labcorp Genetics (formerly Invitae), Labcorp).